The following is an entry in ClinVar:

NM_001987.5(ETV6):c.1143A>T (p.Gly381=)

Genes: ETV6 (ETS variant transcription factor 6; plus strand), LOC126861452 (CDK7 strongly-dependent group 2 enhancer GRCh37_chr12:12037195-12038394; plus strand). Cytogenetic location: 12p13.2.
Variant type: single nucleotide variant.
Coding change: c.1143A>T on transcript NM_001987.5 (MANE Select); coding-DNA position 1143, A replaced by T.
Protein change: p.Gly381=; no amino-acid change (glycine 381 retained).
Molecular consequence: synonymous variant.
Genome position (GRCh38, 1-based): chr12:11,884,578, A>T. VCF-style: chr12-11884578-A-T. GRCh37 (hg19) VCF-style: chr12-12037512-A-T.
Other names: c.1143A>T (NM_001987.4).
Identifiers: ClinVar variation 1337993 (VCV001337993.14), dbSNP rs925111872, ClinGen allele CA478767188.

ClinVar aggregate classification (germline): Likely benign. Review status: criteria provided, multiple submitters, no conflicts (2 of 4 stars). 6 submissions from 6 submitters: Likely benign (5). 1 of the submissions does not count toward it. Last evaluated 2025-04-16.

Conditions:
ETV6-related disorder. Also called: ETV6-related condition.
Inborn genetic diseases. Identifiers: MedGen C0950123, MeSH D030342.

Allele frequency attached by ClinVar (database versions not stated): gnomAD 0.00001; gnomAD exomes 0.00001 and 0.00003; TOPMed 0.00002.
gnomAD v4.1: 9 of 1,613,958 alleles (0.00056%); highest among the groups gnomAD compares: Admixed American, 0.015%; no homozygotes.

Submissions (6):

ARUP Laboratories, Molecular Genetics and Genomics, ARUP Laboratories
Classification: Likely benign. Last evaluated: 2025-04-16. Review status: criteria provided, single submitter. Criteria: ARUP Molecular Germline Variant Investigation Process 2024. Collection method: clinical testing. Allele origin: germline.

Ambry Genetics
Classification: Likely benign for Inborn genetic diseases. Last evaluated: 2025-01-18. Review status: criteria provided, single submitter. Criteria: Ambry Variant Classification Scheme 2023. Collection method: clinical testing. Allele origin: germline.

Labcorp Genetics (formerly Invitae), Labcorp
Classification: Likely benign. Last evaluated: 2022-10-18. Review status: criteria provided, single submitter. Criteria: Invitae Variant Classification Sherloc (09022015). Collection method: clinical testing. Allele origin: germline.

Genetic Services Laboratory, University of Chicago
Classification: Likely benign. Last evaluated: 2021-06-16. Review status: criteria provided, single submitter. Criteria: ACMG Guidelines, 2015. Collection method: clinical testing. Allele origin: germline. Affected: no.

Blueprint Genetics
Classification: Likely benign. Last evaluated: 2020-09-10. Review status: criteria provided, single submitter. Criteria: ACMG Guidelines, 2015. Collection method: clinical testing. Allele origin: germline.

PreventionGenetics, part of Exact Sciences
Classification: Likely benign for ETV6-related condition. Last evaluated: 2022-03-14. Review status: no assertion criteria provided. Collection method: clinical testing. Allele origin: germline. Not counted in ClinVar's aggregate classification.
Comment: This variant is classified as likely benign based on ACMG/AMP sequence variant interpretation guidelines (Richards et al. 2015 PMID: 25741868, with internal and published modifications).